The following is an entry in ClinVar:

NM_004758.4(TSPOAP1):c.2556C>T (p.Ala852=)

Gene: TSPOAP1 (TSPO associated protein 1; minus strand). Cytogenetic location: 17q22.
Variant type: single nucleotide variant.
Coding change: c.2556C>T on transcript NM_004758.4 (MANE Select); coding-DNA position 2556, C replaced by T.
Protein change: p.Ala852=; no amino-acid change (alanine 852 retained).
Molecular consequence: synonymous variant.
Genome position (GRCh38, 1-based): chr17:58,312,265, G>A on the plus strand (C>T on the coding strand, the complement: TSPOAP1 is on the minus strand). VCF-style: chr17-58312265-G-A. GRCh37 (hg19) VCF-style: chr17-56389626-G-A.
Other names: c.2556C>T, p.Ala852= (NM_001261835.2); c.2376C>T, p.Ala792= (NM_024418.3).
Identifiers: ClinVar variation 2647960 (VCV002647960.24), dbSNP rs368949719, ClinGen allele CA8672042.

ClinVar aggregate classification (germline): Likely benign (1 of 4 stars; one submission).

Allele frequency attached by ClinVar (database versions not stated): ESP Exome Variant Server 0.00015; ExAC 0.00021; gnomAD 0.00032; TOPMed 0.00032.

Submission:

CeGaT Center for Human Genetics Tuebingen
Classification: Likely benign. Last evaluated: 2023-04-01. Review status: criteria provided, single submitter. Criteria: CeGaT Center For Human Genetics Tuebingen Variant Classification Criteria Version 2. Collection method: clinical testing. Allele origin: germline. Affected: yes. Observed: 1 variant allele.
Comment: TSPOAP1: BP4, BP7